The following is an entry in ClinVar:

ClinVar aggregate classification (germline): Uncertain significance (1 of 4 stars; one submission).

Conditions:
Developmental and epileptic encephalopathy, 32 (DEE32). Also called: Epileptic encephalopathy, early infantile, 32. Identifiers: Orphanet 442835, MedGen C4225350, MONDO:0014607, OMIM 616366.

Allele frequency attached by ClinVar (database versions not stated): gnomAD exomes below 0.00001; ExAC 0.00001; gnomAD 0.00002; TOPMed 0.00003.

Submission:

Labcorp Genetics (formerly Invitae), Labcorp
Classification: Uncertain significance for Developmental and epileptic encephalopathy, 32. Last evaluated: 2025-06-15. Review status: criteria provided, single submitter. Criteria: Invitae Variant Classification Sherloc (09022015). Collection method: clinical testing. Allele origin: germline.
Comment: This sequence change replaces threonine, which is neutral and polar, with alanine, which is neutral and non-polar, at codon 252 of the KCNA2 protein (p.Thr252Ala). This variant is not present in population databases (gnomAD no frequency). This variant has not been reported in the literature in individuals affected with KCNA2-related conditions. ClinVar contains an entry for this variant (Variation ID: 948350). Invitae Evidence Modeling of protein sequence and biophysical properties (such as structural, functional, and spatial information, amino acid conservation, physicochemical variation, residue mobility, and thermodynamic stability) indicates that this missense variant is not expected to disrupt KCNA2 protein function with a negative predictive value of 95%. In summary, the available evidence is currently insufficient to determine the role of this variant in disease. Therefore, it has been classified as a Variant of Uncertain Significance.

NM_004974.4(KCNA2):c.754A>G (p.Thr252Ala)

Gene: KCNA2 (potassium voltage-gated channel subfamily A member 2; minus strand). Cytogenetic location: 1p13.3.
Variant type: single nucleotide variant.
Coding change: c.754A>G on transcript NM_004974.4 (MANE Select); coding-DNA position 754, A replaced by G.
Protein change: p.Thr252Ala; replaces threonine 252 with alanine.
Molecular consequence: missense variant.
Genome position (GRCh38, 1-based): chr1:110,604,029, T>C on the plus strand (A>G on the coding strand, the complement: KCNA2 is on the minus strand). VCF-style: chr1-110604029-T-C. GRCh37 (hg19) VCF-style: chr1-111146651-T-C.
Other names: c.754A>G, p.Thr252Ala (NM_001204269.2); short protein forms T252A.
Identifiers: ClinVar variation 948350 (VCV000948350.10), dbSNP rs772053786, ClinGen allele CA1000681.